The following is an entry in ClinVar:

NM_001267550.2(TTN):c.47196G>C (p.Val15732=)

Genes: TTN (titin; minus strand), TTN-AS1 (TTN antisense RNA 1; plus strand). Cytogenetic location: 2q31.2.
Variant type: single nucleotide variant.
Coding change: c.47196G>C on transcript NM_001267550.2 (MANE Select); coding-DNA position 47196, G replaced by C.
Protein change: p.Val15732=; no amino-acid change (valine 15732 retained).
Molecular consequence: synonymous variant.
Genome position (GRCh38, 1-based): chr2:178,618,262, C>G on the plus strand (G>C on the coding strand, the complement: TTN is on the minus strand). VCF-style: chr2-178618262-C-G. GRCh37 (hg19) VCF-style: chr2-179482989-C-G.
Other names: c.42273G>C, p.Val14091= (NM_001256850.1); c.39492G>C, p.Val13164= (NM_133378.4); c.20001G>C, p.Val6667= (NM_003319.4); c.20376G>C, p.Val6792= (NM_133432.3); c.20577G>C, p.Val6859= (NM_133437.4).
Identifiers: ClinVar variation 178206 (VCV000178206.27), dbSNP rs369979598, ClinGen allele CA181778.

ClinVar aggregate classification (germline): Conflicting classifications of pathogenicity. Review status: criteria provided, conflicting classifications (1 of 4 stars). 6 submissions from 6 submitters: Uncertain significance (1); Likely benign (5). Last evaluated 2026-02-01.

Conditions:
Cardiovascular phenotype. Identifiers: MedGen CN230736.
Dilated cardiomyopathy 1G (CMD1G). Identifiers: Orphanet 154, MedGen C1858763, MONDO:0011400, OMIM 604145.
Autosomal recessive limb-girdle muscular dystrophy type 2J (LGMDR10). Also called: Limb-girdle muscular dystrophy, type 2J; MUSCULAR DYSTROPHY, LIMB-GIRDLE, AUTOSOMAL RECESSIVE 10. Identifiers: Orphanet 140922, MedGen C1837342, MONDO:0012127, OMIM 608807.

Allele frequency attached by ClinVar (database versions not stated): ExAC 0.00001; gnomAD exomes 0.00002 and 0.00007; gnomAD 0.00005; TOPMed 0.00005; ESP Exome Variant Server 0.00008.
gnomAD v4.1: 108 of 1,612,704 alleles (0.0067%); highest among the groups gnomAD compares: Non-Finnish European, 0.0086%; no homozygotes.

Submissions (6):

Labcorp Genetics (formerly Invitae), Labcorp
Classification: Likely benign for Dilated cardiomyopathy 1G; Autosomal recessive limb-girdle muscular dystrophy type 2J. Last evaluated: 2026-02-01. Review status: criteria provided, single submitter. Criteria: Invitae Variant Classification Sherloc (09022015). Collection method: clinical testing. Allele origin: germline.

Athena Diagnostics
Classification: Likely benign. Last evaluated: 2024-02-13. Review status: criteria provided, single submitter. Criteria: Athena Diagnostics Criteria. Collection method: clinical testing. Allele origin: unknown.

Ambry Genetics
Classification: Likely benign for Cardiovascular phenotype. Last evaluated: 2021-06-23. Review status: criteria provided, single submitter. Criteria: Ambry Variant Classification Scheme 2023. Collection method: clinical testing. Allele origin: germline.

GeneDx
Classification: Likely benign. Last evaluated: 2021-01-14. Review status: criteria provided, single submitter. Criteria: GeneDx Variant Classification Process June 2021. Collection method: clinical testing. Allele origin: germline. Affected: yes.

ARUP Laboratories, Molecular Genetics and Genomics, ARUP Laboratories
Classification: Uncertain significance. Last evaluated: 2018-06-12. Review status: criteria provided, single submitter. Criteria: ARUP Molecular Germline Variant Investigation Process. Collection method: clinical testing. Allele origin: germline.
Comment: The p.Val13164Val variant (rs369979598) has not been reported in the medical literature, gene specific variation databases, nor has it been previously identified by our laboratory. This variant is listed in the Genome Aggregation Database (gnomAD) with an overall population frequency of 0.003 percent (identified on 8 out of 275,964 chromosomes) and has been reported to the ClinVar database (Variation ID: 178206). The nucleotide for this synonymous variant is weakly conserved, and computational analyses (Alamut v.2.11) predict that it may impact splicing by creating a novel cryptic donor in exon 253 located in the A-band of the TTN protein. Although truncating variants in the A-band are associated with increased risk of dilated cardiomyopathy (Schafer 2017), the clinical significance of the p.Val13164Val variant cannot be determined with certainty.

Laboratory for Molecular Medicine, Mass General Brigham Personalized Medicine
Classification: Likely benign. Last evaluated: 2012-03-19. Review status: criteria provided, single submitter. Criteria: LMM Criteria. Collection method: clinical testing. Allele origin: germline. Observed: 2 variant alleles.
Comment: p.Val13164Val in exon 201 of TTN: This variant is not expected to have clinical significance because it does not alter an amino acid residue and is not located within the splice consensus sequence. It has been identified in 1/6710 European American chromosomes from a broad population by the NHLBI Exome Sequencing Proje ct.